The following is an entry in ClinVar:

NM_007194.4(CHEK2):c.208G>T (p.Glu70Ter)

Gene: CHEK2 (checkpoint kinase 2; minus strand). Cytogenetic location: 22q12.1.
Variant type: single nucleotide variant.
Coding change: c.208G>T on transcript NM_007194.4 (MANE Select); coding-DNA position 208, G replaced by T.
Protein change: p.Glu70Ter; replaces glutamic acid 70 with a stop codon.
Molecular consequence: nonsense.
Genome position (GRCh38, 1-based): chr22:28,734,514, C>A on the plus strand (G>T on the coding strand, the complement: CHEK2 is on the minus strand). VCF-style: chr22-28734514-C-A. GRCh37 (hg19) VCF-style: chr22-29130502-C-A.
Other names: c.208G>T, p.Glu70Ter (NM_001005735.3, NM_001349956.3, NM_145862.3); c.-570G>T (NM_001257387.3); short protein forms E70*.
Identifiers: ClinVar variation 240741 (VCV000240741.14), dbSNP rs878854917, ClinGen allele CA10583916.

ClinVar aggregate classification (germline): Pathogenic. Review status: criteria provided, multiple submitters, no conflicts (2 of 4 stars). 3 submissions from 3 submitters: Pathogenic (3). Last evaluated 2025-06-26.

Conditions:
Hereditary cancer-predisposing syndrome. Also called: Tumor predisposition; Neoplastic Syndromes, Hereditary; Hereditary Cancer Syndrome; Hereditary neoplastic syndrome. Identifiers: Orphanet 140162, MedGen C0027672, MeSH D009386, MONDO:0015356.
Familial cancer of breast. Also called: Hereditary breast cancer; BREAST CANCER, FAMILIAL; hereditary breast carcinoma. Identifiers: Orphanet 227535, MedGen C0346153, MONDO:0016419, OMIM 114480. Disease mechanism: loss of function.

Submissions (3):

Ambry Genetics
Classification: Pathogenic for Hereditary cancer-predisposing syndrome. Last evaluated: 2025-06-26. Review status: criteria provided, single submitter. Criteria: Ambry Variant Classification Scheme 2023. Collection method: clinical testing. Allele origin: germline.
Comment: The p.E70* pathogenic mutation (also known as c.208G>T), located in coding exon 1 of the CHEK2 gene, results from a G to T substitution at nucleotide position 208. This changes the amino acid from a glutamic acid to a stop codon within coding exon 1. This variant is considered to be rare based on population cohorts in the Genome Aggregation Database (gnomAD). This alteration is expected to result in loss of function by premature protein truncation or nonsense-mediated mRNA decay. As such, this alteration is interpreted as a disease-causing mutation.

Labcorp Genetics (formerly Invitae), Labcorp
Classification: Pathogenic for Familial cancer of breast. Last evaluated: 2023-01-25. Review status: criteria provided, single submitter. Criteria: Invitae Variant Classification Sherloc (09022015). Collection method: clinical testing. Allele origin: germline.
Comment: For these reasons, this variant has been classified as Pathogenic. ClinVar contains an entry for this variant (Variation ID: 240741). This variant has not been reported in the literature in individuals affected with CHEK2-related conditions. This variant is not present in population databases (gnomAD no frequency). This sequence change creates a premature translational stop signal (p.Glu70*) in the CHEK2 gene. It is expected to result in an absent or disrupted protein product. Loss-of-function variants in CHEK2 are known to be pathogenic (PMID: 21876083, 24713400).

Revvity Omics, Revvity
Classification: Pathogenic. Last evaluated: 2019-05-06. Review status: criteria provided, single submitter. Criteria: ACMG Guidelines, 2015. Collection method: clinical testing. Allele origin: germline.

Literature cited by the submitters: PubMed 21876083 (cited by Labcorp Genetics (formerly Invitae), Labcorp); PubMed 24713400 (cited by Labcorp Genetics (formerly Invitae), Labcorp).